The following is an entry in ClinVar:

ClinVar aggregate classification (germline): Conflicting classifications of pathogenicity. Review status: criteria provided, conflicting classifications (1 of 4 stars). 2 submissions from 2 submitters: Likely pathogenic (1); Uncertain significance (1). Last evaluated 2026-05-05.

Conditions:
Alport syndrome 3b, autosomal recessive. Identifiers: MedGen C5882699, MONDO:0957811, OMIM 620536.

Submissions (2):

Centre de Génétique Humaine, Institut de Pathologie Et de Génétique
Classification: Likely pathogenic for Alport syndrome 3b, autosomal recessive. Last evaluated: 2026-05-05. Review status: criteria provided, single submitter. Criteria: ACMG Guidelines, 2015. Collection method: clinical testing. Allele origin: germline. Inheritance: Autosomal recessive inheritance. Affected: yes. Observed: 4 variant alleles, 4 compound heterozygotes. Clinical features observed: Microscopic hematuria (HP:0002907), Proteinuria (HP:0000093), Stage 5 chronic kidney disease (HP:0003774). Segregation with disease not observed.
Comment: This missense variant involves a highly conserved Tryptophane located in carboxy terminal non-collagenous region (PP2). This variant is absent in gnomAD v4.1.0 database(PM2). In silico analysis supports that this missense variant has a deleterious effect (PP3). Detected in our lab as heterozygous associated with likely pathogenic variant in two sisters with sever Alport syndrome without segregation studies (PP1) Described in scientific litterature associated with another pathogenic variant likely pathogenic variant in two patients (PP5)

3billion
Classification: Uncertain significance for Alport syndrome 3b, autosomal recessive. Last evaluated: 2024-06-27. Review status: criteria provided, single submitter. Criteria: ACMG Guidelines, 2015. Collection method: clinical testing. Allele origin: germline. Affected: yes.
Comment: The variant is not observed in the gnomAD v4.0.0 dataset. Predicted Consequence/Location: Missense variant In silico tool predictions suggest damaging effect of the variant on gene or gene product [REVEL: 0.93 (>=0.6, sensitivity 0.68 and specificity 0.92)]. Therefore, this variant is classified as VUS according to the recommendation of ACMG/AMP guideline.

Literature cited by the submitters: PubMed 41872207 (cited by Centre de Génétique Humaine, Institut de Pathologie Et de Génétique).

NM_000091.5(COL4A3):c.4564T>C (p.Trp1522Arg)

Genes: COL4A3 (collagen type IV alpha 3 chain; plus strand), MFF-DT (MFF divergent transcript; minus strand). Cytogenetic location: 2q36.3.
Variant type: single nucleotide variant.
Coding change: c.4564T>C on transcript NM_000091.5 (MANE Select); coding-DNA position 4564, T replaced by C.
Protein change: p.Trp1522Arg; replaces tryptophan 1522 with arginine.
Molecular consequence: missense variant.
Genome position (GRCh38, 1-based): chr2:227,309,000, T>C. VCF-style: chr2-227309000-T-C. GRCh37 (hg19) VCF-style: chr2-228173716-T-C.
Other names: p.(Trp1522Arg); short protein forms W1522R.
Identifiers: ClinVar variation 4294072 (VCV004294072.2).